The following is an entry in ClinVar:

ClinVar aggregate classification (germline): Uncertain significance (1 of 4 stars; one submission).

Submission:

Labcorp Genetics (formerly Invitae), Labcorp
Classification: Uncertain significance. Last evaluated: 2023-09-10. Review status: criteria provided, single submitter. Criteria: Invitae Variant Classification Sherloc (09022015). Collection method: clinical testing. Allele origin: germline.
Comment: This variant is not present in population databases (gnomAD no frequency). This variant has not been reported in the literature in individuals affected with ZNF469-related conditions. Algorithms developed to predict the effect of missense changes on protein structure and function output the following: SIFT: "Not Available"; PolyPhen-2: "Possibly Damaging"; Align-GVGD: "Not Available". The arginine amino acid residue is found in multiple mammalian species, which suggests that this missense change does not adversely affect protein function. In summary, the available evidence is currently insufficient to determine the role of this variant in disease. Therefore, it has been classified as a Variant of Uncertain Significance. This sequence change replaces leucine, which is neutral and non-polar, with arginine, which is basic and polar, at codon 3378 of the ZNF469 protein (p.Leu3378Arg).

NM_001367624.2(ZNF469):c.10217T>G (p.Leu3406Arg)

Gene: ZNF469 (zinc finger protein 469; plus strand). Cytogenetic location: 16q24.2.
Variant type: single nucleotide variant.
Coding change: c.10217T>G on transcript NM_001367624.2 (MANE Select); coding-DNA position 10217, T replaced by G.
Protein change: p.Leu3406Arg; replaces leucine 3406 with arginine.
Molecular consequence: missense variant.
Genome position (GRCh38, 1-based): chr16:88,437,687, T>G. VCF-style: chr16-88437687-T-G. GRCh37 (hg19) VCF-style: chr16-88504095-T-G.
Other names: short protein forms L3406R.
Identifiers: ClinVar variation 2757293 (VCV002757293.3), dbSNP rs2507605733, ClinGen allele CA397126155.